The following is an entry in ClinVar:

ClinVar aggregate classification (germline): Uncertain significance (1 of 4 stars; one submission).

Conditions:
Inborn genetic diseases. Identifiers: MedGen C0950123, MeSH D030342.

Submission:

Ambry Genetics
Classification: Uncertain significance for Inborn genetic diseases. Last evaluated: 2026-04-16. Review status: criteria provided, single submitter. Criteria: Ambry Variant Classification Scheme 2023. Collection method: clinical testing. Allele origin: germline.
Comment: The c.1880T>A (p.F627Y) alteration is located in exon 12 (coding exon 12) of the MAN1B1 gene. This alteration results from a T to A substitution at nucleotide position 1880, causing the phenylalanine (F) at amino acid position 627 to be replaced by a tyrosine (Y). Based on data from gnomAD, the A allele has an overall frequency of 0.002% (6/248102) total alleles studied. The highest observed frequency was 0.016% (1/6102) of Other alleles. Based on insufficient or conflicting evidence, the clinical significance of this alteration remains unclear.

NM_016219.5(MAN1B1):c.1880T>A (p.Phe627Tyr)

Gene: MAN1B1 (mannosidase alpha class 1B member 1; plus strand). Cytogenetic location: 9q34.3.
Variant type: single nucleotide variant.
Coding change: c.1880T>A on transcript NM_016219.5 (MANE Select); coding-DNA position 1880, T replaced by A.
Protein change: p.Phe627Tyr; replaces phenylalanine 627 with tyrosine.
Molecular consequence: missense variant. On other transcripts: non-coding transcript variant (2).
Genome position (GRCh38, 1-based): chr9:137,107,646, T>A. VCF-style: chr9-137107646-T-A. GRCh37 (hg19) VCF-style: chr9-140002098-T-A.
Other names: short protein forms F627Y.
Identifiers: ClinVar variation 4859485 (VCV004859485.1).